The following is an entry in ClinVar:

ClinVar aggregate classification (germline): Uncertain significance (1 of 4 stars; one submission).

Conditions:
Hereditary cancer-predisposing syndrome. Also called: Hereditary Cancer Syndrome; Hereditary neoplastic syndrome; Neoplastic Syndromes, Hereditary; Tumor predisposition. Identifiers: Orphanet 140162, MedGen C0027672, MeSH D009386, MONDO:0015356.

Submission:

Ambry Genetics
Classification: Uncertain significance for Hereditary cancer-predisposing syndrome. Last evaluated: 2025-02-18. Review status: criteria provided, single submitter. Criteria: Ambry Variant Classification Scheme 2023. Collection method: clinical testing. Allele origin: germline.
Comment: The p.K1462N variant (also known as c.4386G>C), located in coding exon 15 of the APC gene, results from a G to C substitution at nucleotide position 4386. The lysine at codon 1462 is replaced by asparagine, an amino acid with similar properties. This amino acid position is not well conserved in available vertebrate species. In addition, in silico predictors for this gene do not accurately predict pathogenicity. Missense alterations in APC are not a common cause of disease (Spier I et al. Genet Med. 2024 Feb;26(2):100992). Based on the available evidence, the clinical significance of this variant remains unclear.

NM_000038.6(APC):c.4386G>C (p.Lys1462Asn)

Gene: APC (APC regulator of Wnt signaling pathway; plus strand). Cytogenetic location: 5q22.2.
Variant type: single nucleotide variant.
Coding change: c.4386G>C on transcript NM_000038.6 (MANE Select); coding-DNA position 4386, G replaced by C.
Protein change: p.Lys1462Asn; replaces lysine 1462 with asparagine.
Molecular consequence: missense variant.
Genome position (GRCh38, 1-based): chr5:112,839,980, G>C. VCF-style: chr5-112839980-G-C. GRCh37 (hg19) VCF-style: chr5-112175677-G-C.
Other names: c.4311G>C, p.Lys1437Asn (NM_001354898.2); c.4302G>C, p.Lys1434Asn (NM_001354899.2); c.4356G>C, p.Lys1452Asn (NM_001407452.1); c.4008G>C, p.Lys1336Asn (NM_001354904.2); c.3906G>C, p.Lys1302Asn (NM_001354905.2); c.3537G>C, p.Lys1179Asn (NM_001354906.2, NM_001407470.1); c.4470G>C, p.Lys1490Asn (NM_001407446.1); c.4440G>C, p.Lys1480Asn (NM_001407449.1, NM_001407447.1, NM_001407448.1 and 1 more transcripts); and 11 more; short protein forms K1078N, K1333N, K1371N, K1434N, K1462N, K1472N, K1336N, K1452N.
Identifiers: ClinVar variation 1740186 (VCV001740186.3), dbSNP rs1057522179, ClinGen allele CA16030934.